The following is an entry in ClinVar:

NM_001267550.2(TTN):c.42682G>C (p.Glu14228Gln)

Gene: TTN (titin; minus strand). Cytogenetic location: 2q31.2.
Variant type: single nucleotide variant.
Coding change: c.42682G>C on transcript NM_001267550.2 (MANE Select); coding-DNA position 42682, G replaced by C.
Protein change: p.Glu14228Gln; replaces glutamic acid 14228 with glutamine.
Molecular consequence: missense variant.
Genome position (GRCh38, 1-based): chr2:178,633,817, C>G on the plus strand (G>C on the coding strand, the complement: TTN is on the minus strand). VCF-style: chr2-178633817-C-G. GRCh37 (hg19) VCF-style: chr2-179498544-C-G.
Other names: c.37759G>C, p.Glu12587Gln (NM_001256850.1); c.15487G>C, p.Glu5163Gln (NM_003319.4); c.34978G>C, p.Glu11660Gln (NM_133378.4); c.15862G>C, p.Glu5288Gln (NM_133432.3); c.16063G>C, p.Glu5355Gln (NM_133437.4); short protein forms E11660Q, E5163Q, E5288Q, E5355Q, E12587Q, E14228Q.
Identifiers: ClinVar variation 2107761 (VCV002107761.4), dbSNP rs1054303718, ClinGen allele CA61004712.

ClinVar aggregate classification (germline): Uncertain significance (1 of 4 stars; one submission).

Conditions:
Dilated cardiomyopathy 1G (CMD1G). Identifiers: Orphanet 154, MedGen C1858763, MONDO:0011400, OMIM 604145.
Autosomal recessive limb-girdle muscular dystrophy type 2J (LGMDR10). Also called: Limb-girdle muscular dystrophy, type 2J; MUSCULAR DYSTROPHY, LIMB-GIRDLE, AUTOSOMAL RECESSIVE 10. Identifiers: Orphanet 140922, MedGen C1837342, MONDO:0012127, OMIM 608807.

Submission:

Labcorp Genetics (formerly Invitae), Labcorp
Classification: Uncertain significance for Dilated cardiomyopathy 1G; Autosomal recessive limb-girdle muscular dystrophy type 2J. Last evaluated: 2022-03-09. Review status: criteria provided, single submitter. Criteria: Invitae Variant Classification Sherloc (09022015). Collection method: clinical testing. Allele origin: germline.
Comment: This sequence change replaces glutamic acid, which is acidic and polar, with glutamine, which is neutral and polar, at codon 14228 of the TTN protein (p.Glu14228Gln). This variant also falls at the last nucleotide of exon 231, which is part of the consensus splice site for this exon. This variant is not present in population databases (gnomAD no frequency). In summary, the available evidence is currently insufficient to determine the role of this variant in disease. Therefore, it has been classified as a Variant of Uncertain Significance. Experimental studies and prediction algorithms are not available or were not evaluated, and the functional significance of this variant is currently unknown. This variant has not been reported in the literature in individuals affected with TTN-related conditions. Variants that disrupt the consensus splice site are a relatively common cause of aberrant splicing (PMID: 17576681, 9536098). Algorithms developed to predict the effect of sequence changes on RNA splicing suggest that this variant may disrupt the consensus splice site. This variant is located in the I band of TTN (PMID: 25589632). Variants in this region may be clinically relevant, but have not been definitively shown to cause cardiomyopathy or neuromuscular disease (PMID: 27493940, 32778822).

Literature cited by the submitters: PubMed 17576681; PubMed 9536098; PubMed 25589632; PubMed 27493940; PubMed 32778822.